The following is an entry in ClinVar:

NM_000836.4(GRIN2D):c.820A>C (p.Met274Leu)

Gene: GRIN2D (glutamate ionotropic receptor NMDA type subunit 2D; plus strand). Cytogenetic location: 19q13.33.
Variant type: single nucleotide variant.
Coding change: c.820A>C on transcript NM_000836.4 (MANE Select); coding-DNA position 820, A replaced by C.
Protein change: p.Met274Leu; replaces methionine 274 with leucine.
Molecular consequence: missense variant.
Genome position (GRCh38, 1-based): chr19:48,405,088, A>C. VCF-style: chr19-48405088-A-C. GRCh37 (hg19) VCF-style: chr19-48908345-A-C.
Other names: short protein forms M274L.
Identifiers: ClinVar variation 2802686 (VCV002802686.3), dbSNP rs749820198, ClinGen allele CA406692443.

ClinVar aggregate classification (germline): Uncertain significance (1 of 4 stars; one submission).

gnomAD v4.1: 2 of 1,599,124 alleles (0.00013%); highest among the groups gnomAD compares: Non-Finnish European, 0.00017%; no homozygotes.

Submission:

Labcorp Genetics (formerly Invitae), Labcorp
Classification: Uncertain significance. Last evaluated: 2023-03-01. Review status: criteria provided, single submitter. Criteria: Invitae Variant Classification Sherloc (09022015). Collection method: clinical testing. Allele origin: germline.
Comment: This sequence change replaces methionine, which is neutral and non-polar, with leucine, which is neutral and non-polar, at codon 274 of the GRIN2D protein (p.Met274Leu). This variant is not present in population databases (gnomAD no frequency). This variant has not been reported in the literature in individuals affected with GRIN2D-related conditions. Advanced modeling of protein sequence and biophysical properties (such as structural, functional, and spatial information, amino acid conservation, physicochemical variation, residue mobility, and thermodynamic stability) performed at Invitae indicates that this missense variant is not expected to disrupt GRIN2D protein function. In summary, the available evidence is currently insufficient to determine the role of this variant in disease. Therefore, it has been classified as a Variant of Uncertain Significance.